The following is an entry in ClinVar:

ClinVar aggregate classification (germline): Benign/Likely benign. Review status: criteria provided, multiple submitters, no conflicts (2 of 4 stars). 3 submissions from 3 submitters: Benign (1); Likely benign (2). Last evaluated 2025-06-18.

Conditions:
Hereditary cancer-predisposing syndrome. Also called: Hereditary Cancer Syndrome; Tumor predisposition; Neoplastic Syndromes, Hereditary; Hereditary neoplastic syndrome. Identifiers: Orphanet 140162, MedGen C0027672, MeSH D009386, MONDO:0015356.
Tuberous sclerosis 2 (TSC2). Identifiers: Orphanet 805, MedGen C1860707, MONDO:0013199, OMIM 613254.

gnomAD v4.1: 17 of 1,607,536 alleles (0.0011%); highest among the groups gnomAD compares: South Asian, 0.011%; no homozygotes.

Submissions (3):

Labcorp Genetics (formerly Invitae), Labcorp
Classification: Likely benign for Tuberous sclerosis 2. Last evaluated: 2025-06-18. Review status: criteria provided, single submitter. Criteria: Invitae Variant Classification Sherloc (09022015). Collection method: clinical testing. Allele origin: germline.

Myriad Genetics, Inc.
Classification: Benign for Tuberous sclerosis 2. Last evaluated: 2025-06-03. Review status: criteria provided, single submitter. Criteria: Myriad Autosomal Dominant, Autosomal Recessive and X-Linked Classification Criteria (2023). Collection method: clinical testing. Allele origin: unknown.
Comment: This variant is considered benign. This variant is a silent/synonymous amino acid change and it is not expected to impact splicing.

Ambry Genetics
Classification: Likely benign for Hereditary cancer-predisposing syndrome. Last evaluated: 2019-12-30. Review status: criteria provided, single submitter. Criteria: Ambry Variant Classification Scheme 2023. Collection method: clinical testing. Allele origin: germline.

NM_000548.5(TSC2):c.4350C>A (p.Pro1450=)

Gene: TSC2 (TSC complex subunit 2; plus strand). Cytogenetic location: 16p13.3.
Variant type: single nucleotide variant.
Coding change: c.4350C>A on transcript NM_000548.5 (MANE Select); coding-DNA position 4350, C replaced by A.
Protein change: p.Pro1450=; no amino-acid change (proline 1450 retained).
Molecular consequence: synonymous variant.
Genome position (GRCh38, 1-based): chr16:2,084,572, C>A. VCF-style: chr16-2084572-C-A. GRCh37 (hg19) VCF-style: chr16-2134573-C-A.
Other names: c.4149C>A, p.Pro1383= (NM_001077183.3); c.4281C>A, p.Pro1427= (NM_001114382.3); c.4041C>A, p.Pro1347= (NM_001318827.2); c.4005C>A, p.Pro1335= (NM_001318829.2); c.3618C>A, p.Pro1206= (NM_001318831.2); c.4182C>A, p.Pro1394= (NM_001318832.2); c.4152C>A, p.Pro1384= (NM_001363528.2); c.4218C>A, p.Pro1406= (NM_001370404.1); and 1 more.
Identifiers: ClinVar variation 1591868 (VCV001591868.11), dbSNP rs767996683, ClinGen allele CA493043475.